The following is an entry in ClinVar:

NM_001376.5(DYNC1H1):c.13106C>T (p.Thr4369Met)

Gene: DYNC1H1 (dynein cytoplasmic 1 heavy chain 1; plus strand). Cytogenetic location: 14q32.31.
Variant type: single nucleotide variant.
Coding change: c.13106C>T on transcript NM_001376.5 (MANE Select); coding-DNA position 13106, C replaced by T.
Protein change: p.Thr4369Met; replaces threonine 4369 with methionine.
Molecular consequence: missense variant.
Genome position (GRCh38, 1-based): chr14:102,047,916, C>T. VCF-style: chr14-102047916-C-T. GRCh37 (hg19) VCF-style: chr14-102514253-C-T.
Other names: short protein forms T4369M.
Identifiers: ClinVar variation 590156 (VCV000590156.10), dbSNP rs1290022379, ClinGen allele CA391046152.

ClinVar aggregate classification (germline): Conflicting classifications of pathogenicity. Review status: criteria provided, conflicting classifications (1 of 4 stars). 3 submissions from 3 submitters: Uncertain significance (2); Likely benign (1). Last evaluated 2024-12-30.

Conditions:
Inborn genetic diseases. Identifiers: MedGen C0950123, MeSH D030342.
Charcot-Marie-Tooth disease axonal type 2O. Also called: Charcot-Marie-Tooth Neuropathy Type 2O; CHARCOT-MARIE-TOOTH NEUROPATHY, AXONAL, TYPE 2O; CHARCOT-MARIE-TOOTH DISEASE, AXONAL, AUTOSOMAL DOMINANT, TYPE 2O; Charcot-Marie-Tooth disease, axonal, type 20. Identifiers: Orphanet 284232, MedGen C3280220, MONDO:0013644, OMIM 614228.

Allele frequency attached by ClinVar (database versions not stated): gnomAD exomes below 0.00001; TOPMed 0.00001.
gnomAD v4.1: 20 of 1,613,578 alleles (0.0012%); highest among the groups gnomAD compares: East Asian, 0.0022%; no homozygotes.

Submissions (3):

Labcorp Genetics (formerly Invitae), Labcorp
Classification: Likely benign for Charcot-Marie-Tooth disease axonal type 2O. Last evaluated: 2024-12-30. Review status: criteria provided, single submitter. Criteria: Invitae Variant Classification Sherloc (09022015). Collection method: clinical testing. Allele origin: germline.

GeneDx
Classification: Uncertain significance. Last evaluated: 2021-04-12. Review status: criteria provided, single submitter. Criteria: GeneDx Variant Classification Process June 2021. Collection method: clinical testing. Allele origin: germline. Affected: yes.
Comment: In silico analysis supports that this missense variant does not alter protein structure/function; Has not been previously published as pathogenic or benign to our knowledge

Ambry Genetics
Classification: Uncertain significance for Inborn genetic diseases. Last evaluated: 2017-05-26. Review status: criteria provided, single submitter. Criteria: Ambry Variant Classification Scheme 2023. Collection method: clinical testing. Allele origin: germline.
Comment: The p.T4369M variant (also known as c.13106C>T), located in coding exon 73 of the DYNC1H1 gene, results from a C to T substitution at nucleotide position 13106. The threonine at codon 4369 is replaced by methionine, an amino acid with similar properties. This amino acid position is well conserved in available vertebrate species. In addition, this alteration is predicted to be tolerated by in silico analysis. Since supporting evidence is limited at this time, the clinical significance of this alteration remains unclear.